The following is an entry in ClinVar:

ClinVar aggregate classification (germline): Uncertain significance (1 of 4 stars; one submission).

Conditions:
Idiopathic generalized epilepsy. Also called: Generalised epilepsy; EIG. Identifiers: MedGen C0270850, MONDO:0005579, OMIM 600669.

Submission:

Labcorp Genetics (formerly Invitae), Labcorp
Classification: Uncertain significance for Idiopathic generalized epilepsy. Last evaluated: 2023-09-15. Review status: criteria provided, single submitter. Criteria: Invitae Variant Classification Sherloc (09022015). Collection method: clinical testing. Allele origin: germline.
Comment: Advanced modeling of protein sequence and biophysical properties (such as structural, functional, and spatial information, amino acid conservation, physicochemical variation, residue mobility, and thermodynamic stability) performed at Invitae indicates that this missense variant is not expected to disrupt RBFOX1 protein function. In summary, the available evidence is currently insufficient to determine the role of this variant in disease. Therefore, it has been classified as a Variant of Uncertain Significance. This variant has not been reported in the literature in individuals affected with RBFOX1-related conditions. This variant is not present in population databases (gnomAD no frequency). This sequence change replaces proline, which is neutral and non-polar, with alanine, which is neutral and non-polar, at codon 117 of the RBFOX1 protein (p.Pro117Ala).

NM_018723.4(RBFOX1):c.289C>G (p.Pro97Ala)

Genes: RBFOX1 (RNA binding fox-1 homolog 1; plus strand), LOC126862278 (CDK7 strongly-dependent group 2 enhancer GRCh37_chr16:7629446-7630645; plus strand). Cytogenetic location: 16p13.3.
Variant type: single nucleotide variant.
Coding change: c.289C>G on transcript NM_018723.4 (MANE Select); coding-DNA position 289, C replaced by G.
Protein change: p.Pro97Ala; replaces proline 97 with alanine.
Molecular consequence: missense variant.
Genome position (GRCh38, 1-based): chr16:7,579,795, C>G. VCF-style: chr16-7579795-C-G. GRCh37 (hg19) VCF-style: chr16-7629797-C-G.
Other names: c.349C>G, p.Pro117Ala (NM_145893.3, NM_001415904.1, NM_001415906.1 and 4 more transcripts); c.289C>G, p.Pro97Ala (NM_001142333.2, NM_001142334.2, NM_001364800.2 and 1 more transcripts); c.418C>G, p.Pro140Ala (NM_001308117.1, NM_001411047.1, NM_001415891.1 and 5 more transcripts); c.886C>G, p.Pro296Ala (NM_001415887.1, NM_001415888.1); c.397C>G, p.Pro133Ala (NM_001415889.1, NM_001415909.1, NM_001415910.1 and 5 more transcripts); c.364C>G, p.Pro122Ala (NM_001415890.1, NM_001415903.1, NM_001415905.1 and 4 more transcripts); c.295C>G, p.Pro99Ala (NM_001415902.1, NM_001415911.1, NM_001415917.1); short protein forms P296A, P133A, P117A, P99A, P122A, P140A, P97A.
Identifiers: ClinVar variation 2760901 (VCV002760901.3), dbSNP rs2093615072, ClinGen allele CA394682369.
Genomic context (GRCh38, chr16:7,579,795, plus strand): 5'-TGGTCCACTGAGAACCTCTTCGGTTTCTTCTTGTTCTTTTAGCAGACAGATGACGCAGCA[C>G]CGACGGATGGCCAGCCCCAGACACAACCTTCTGAAAACACGGAAAACAAGTCTCAGCCCA-3'
Protein context (NP_061193.2, residues 87-107): GTATQTDDAA[Pro97Ala]TDGQPQTQPS